The following is an entry in ClinVar:

ClinVar aggregate classification (germline): Likely benign (1 of 4 stars; one submission).

Allele frequency attached by ClinVar (database versions not stated): gnomAD exomes below 0.00001.
gnomAD v4.1: 1 of 1,613,676 alleles (0.000062%); highest among the groups gnomAD compares: Non-Finnish European, 0.000085%; no homozygotes.

Submission:

GeneDx
Classification: Likely benign. Last evaluated: 2016-02-23. Review status: criteria provided, single submitter. Criteria: GeneDx Variant Classification (06012015). Collection method: clinical testing. Allele origin: germline. Affected: yes.
Comment: This variant is considered likely benign or benign based on one or more of the following criteria: it is a conservative change, it occurs at a poorly conserved position in the protein, it is predicted to be benign by multiple in silico algorithms, and/or has population frequency not consistent with disease.

NM_153026.3(PRICKLE1):c.2127T>C (p.Tyr709=)

Gene: PRICKLE1 (prickle planar cell polarity protein 1; minus strand). Cytogenetic location: 12q12.
Variant type: single nucleotide variant.
Coding change: c.2127T>C on transcript NM_153026.3 (MANE Select); coding-DNA position 2127, T replaced by C.
Protein change: p.Tyr709=; no amino-acid change (tyrosine 709 retained).
Molecular consequence: synonymous variant.
Genome position (GRCh38, 1-based): chr12:42,460,178, A>G on the plus strand (T>C on the coding strand, the complement: PRICKLE1 is on the minus strand). VCF-style: chr12-42460178-A-G. GRCh37 (hg19) VCF-style: chr12-42853980-A-G.
Other names: c.2127T>C, p.Tyr709= (NM_001144881.2, NM_001144882.2, NM_001144883.2).
Identifiers: ClinVar variation 383833 (VCV000383833.1), dbSNP rs1057521749, ClinGen allele CA16606278.